The following is an entry in ClinVar:

ClinVar aggregate classification (germline): Uncertain significance (1 of 4 stars; one submission).

gnomAD v4.1: 4 of 1,612,876 alleles (0.00025%); highest among the groups gnomAD compares: African/African-American, 0.0053%; no homozygotes.

Submission:

Labcorp Genetics (formerly Invitae), Labcorp
Classification: Uncertain significance. Last evaluated: 2025-08-31. Review status: criteria provided, single submitter. Criteria: Invitae Variant Classification Sherloc (09022015). Collection method: clinical testing. Allele origin: germline.
Comment: This sequence change replaces threonine, which is neutral and polar, with alanine, which is neutral and non-polar, at codon 3176 of the HMCN1 protein (p.Thr3176Ala). This variant is present in population databases (no rsID available, gnomAD 0.02%). This variant has not been reported in the literature in individuals affected with HMCN1-related conditions. An algorithm developed to predict the effect of missense changes on protein structure and function outputs the following: PolyPhen-2: "Benign". The alanine amino acid residue is found in multiple mammalian species, which suggests that this missense change does not adversely affect protein function. In summary, the available evidence is currently insufficient to determine the role of this variant in disease. Therefore, it has been classified as a Variant of Uncertain Significance.

NM_031935.3(HMCN1):c.9526A>G (p.Thr3176Ala)

Gene: HMCN1 (hemicentin 1; plus strand). Cytogenetic location: 1q31.1.
Variant type: single nucleotide variant.
Coding change: c.9526A>G on transcript NM_031935.3 (MANE Select); coding-DNA position 9526, A replaced by G.
Protein change: p.Thr3176Ala; replaces threonine 3176 with alanine.
Molecular consequence: missense variant.
Genome position (GRCh38, 1-based): chr1:186,088,225, A>G. VCF-style: chr1-186088225-A-G. GRCh37 (hg19) VCF-style: chr1-186057357-A-G.
Other names: short protein forms T3176A.
Identifiers: ClinVar variation 4752047 (VCV004752047.1).